The following is an entry in ClinVar:

ClinVar aggregate classification (germline): Uncertain significance. Review status: criteria provided, multiple submitters, no conflicts (2 of 4 stars). 3 submissions from 3 submitters: Uncertain significance (3). Last evaluated 2025-10-15.

Conditions:
Juvenile polyposis syndrome (JPS). Identifiers: Orphanet 2929, MedGen C0345893, MONDO:0017380, OMIM 174900.
Hereditary cancer-predisposing syndrome. Also called: Hereditary Cancer Syndrome; Hereditary neoplastic syndrome; Neoplastic Syndromes, Hereditary; Tumor predisposition. Identifiers: Orphanet 140162, MedGen C0027672, MeSH D009386, MONDO:0015356.
Familial thoracic aortic aneurysm and aortic dissection (TAAD). Also called: Thoracic aortic aneurysms and dissections. Identifiers: Orphanet 91387, MedGen C4707243, MONDO:0019625.

gnomAD v4.1: 1 of 1,614,144 alleles (0.000062%); highest among the groups gnomAD compares: Non-Finnish European, 0.000085%; no homozygotes.

Submissions (3):

Labcorp Genetics (formerly Invitae), Labcorp
Classification: Uncertain significance for Juvenile polyposis syndrome. Last evaluated: 2025-10-15. Review status: criteria provided, single submitter. Criteria: Invitae Variant Classification Sherloc (09022015). Collection method: clinical testing. Allele origin: germline.
Comment: This sequence change replaces proline, which is neutral and non-polar, with serine, which is neutral and polar, at codon 511 of the SMAD4 protein (p.Pro511Ser). This variant is not present in population databases (gnomAD no frequency). This variant has not been reported in the literature in individuals affected with SMAD4-related conditions. ClinVar contains an entry for this variant (Variation ID: 3445862). Invitae Evidence Modeling of protein sequence and biophysical properties (such as structural, functional, and spatial information, amino acid conservation, physicochemical variation, residue mobility, and thermodynamic stability) has been performed for this missense variant. However, the output from this modeling did not meet the statistical confidence thresholds required to predict the impact of this variant on SMAD4 protein function. In summary, the available evidence is currently insufficient to determine the role of this variant in disease. Therefore, it has been classified as a Variant of Uncertain Significance.

Quest Diagnostics Nichols Institute San Juan Capistrano
Classification: Uncertain significance. Last evaluated: 2025-06-13. Review status: criteria provided, single submitter. Criteria: Quest Diagnostics criteria. Collection method: clinical testing. Allele origin: unknown.
Comment: The SMAD4 c.1531C>T (p.Pro511Ser) variant has been reported in the published literature in an individual with pancreatic cancer (PMID: 38123998 (2024)). This variant has not been reported in large, multi-ethnic general populations (Genome Aggregation Database). Analysis of this variant using bioinformatics tool for the prediction of the effect of amino acid changes on protein structure and function yielded predictions that this variant is damaging. Based on the available information, we are unable to determine the clinical significance of this variant.

Ambry Genetics
Classification: Uncertain significance for Hereditary cancer-predisposing syndrome; Familial thoracic aortic aneurysm and aortic dissection. Last evaluated: 2024-10-29. Review status: criteria provided, single submitter. Criteria: Ambry Variant Classification Scheme 2023. Collection method: clinical testing. Allele origin: germline.
Comment: The p.P511S variant (also known as c.1531C>T), located in coding exon 11 of the SMAD4 gene, results from a C to T substitution at nucleotide position 1531. The proline at codon 511 is replaced by serine, an amino acid with similar properties. This amino acid position is highly conserved in available vertebrate species. In addition, the in silico prediction for this alteration is inconclusive. Based on the available evidence, the clinical significance of this variant remains unclear.

Literature cited by the submitters: PubMed 31663663 (cited by Quest Diagnostics Nichols Institute San Juan Capistrano); PubMed 38123998 (cited by Quest Diagnostics Nichols Institute San Juan Capistrano).

NM_005359.6(SMAD4):c.1531C>T (p.Pro511Ser)

Gene: SMAD4 (SMAD family member 4; plus strand). Cytogenetic location: 18q21.2.
Variant type: single nucleotide variant.
Coding change: c.1531C>T on transcript NM_005359.6 (MANE Select); coding-DNA position 1531, C replaced by T.
Protein change: p.Pro511Ser; replaces proline 511 with serine.
Molecular consequence: missense variant. On other transcripts: non-coding transcript variant (1).
Genome position (GRCh38, 1-based): chr18:51,078,339, C>T. VCF-style: chr18-51078339-C-T. GRCh37 (hg19) VCF-style: chr18-48604709-C-T.
Other names: c.1531C>T, p.Pro511Ser (NM_001407041.1, NM_001407042.1); short protein forms P511S.
Identifiers: ClinVar variation 3445862 (VCV003445862.3).